The following is an entry in ClinVar:

ClinVar aggregate classification (germline): Pathogenic. Review status: criteria provided, multiple submitters, no conflicts (2 of 4 stars). 6 submissions from 6 submitters: Pathogenic (5). 1 of the submissions does not count toward it. Last evaluated 2026-07-02.

Conditions:
PAX3-related disorder. Also called: PAX3-related condition.
Waardenburg syndrome type 1 (WS1). Also called: Waardenburg Syndrome Type I; WAARDENBURG SYNDROME WITH DYSTOPIA CANTHORUM. Identifiers: Orphanet 894, MedGen C1847800, MONDO:0008670, OMIM 193500.

Allele frequency attached by ClinVar (database versions not stated): gnomAD exomes below 0.00001; gnomAD 0.00001.

Submissions (6):

PreventionGenetics, part of Exact Sciences
Classification: Pathogenic for PAX3-related condition. Last evaluated: 2026-07-02. Review status: criteria provided, single submitter. Criteria: ACMG Guidelines, 2015. Collection method: clinical testing. Allele origin: germline.
Comment: The PAX3 c.808C>T variant is predicted to result in the amino acid substitution p.Arg270Cys. This variant has been reported in heterozygous state in multiple individuals with Waardenburg syndrome (Tassabehji et al 1995. PubMed ID: 8589691; Chen et al. 2010. PubMed ID: 20478267; Pandya et al. 1996. PubMed ID: 8845842). This variant has also been reported in the heterozygous state in an individual presenting with craniosynostosis, global developmental delay, abnormality of the palpebral fissures, and abnormality of the palmar creases (Patient 261586 in Supplemental Table 4, Fitzgerald. 2015. PubMed ID: 25533962), and in a second patient with developmental disorder (Patient DDD4K.01266 in Supplemental Table 1, McRae. 2017. PubMed ID: 28135719). This variant is reported in 0.0062% of alleles in individuals of African descent in gnomAD, indicating that it's rare. In ClinVar, this variant has been interpreted as pathogenic (Variation ID: 547747). Additional variants affecting the same amino acid (p.Arg270Gly and p.Arg270Leu) have also been reported in patients with Waardenburg syndrome (Human Gene Mutation Database). Based on this evidence, we interpret this variant as pathogenic.

GeneDx
Classification: Pathogenic. Last evaluated: 2026-01-22. Review status: criteria provided, single submitter. Criteria: GeneDx Variant Classification Process June 2021. Collection method: clinical testing. Allele origin: germline. Affected: yes.
Comment: Not observed at significant frequency in large population cohorts (gnomAD); In silico analysis supports that this missense variant has a deleterious effect on protein structure/function; This variant is associated with the following publications: (PMID: 27013732, 30936914, 28135719, 9654197, 31785789, 8589691, 35607853, 35982159, 33057194, 25533962, 20478267, 858969, 8845842)

Labcorp Genetics (formerly Invitae), Labcorp
Classification: Pathogenic. Last evaluated: 2022-04-13. Review status: criteria provided, single submitter. Criteria: Invitae Variant Classification Sherloc (09022015). Collection method: clinical testing. Allele origin: germline.
Comment: For these reasons, this variant has been classified as Pathogenic. This variant disrupts the p.Arg270 amino acid residue in PAX3. Other variant(s) that disrupt this residue have been observed in individuals with PAX3-related conditions (PMID: 9279758, 30936914), which suggests that this may be a clinically significant amino acid residue. Algorithms developed to predict the effect of missense changes on protein structure and function are either unavailable or do not agree on the potential impact of this missense change (SIFT: "Deleterious"; PolyPhen-2: "Probably Damaging"; Align-GVGD: "Class C0"). ClinVar contains an entry for this variant (Variation ID: 547747). This missense change has been observed in individuals with Waardenburg syndrome (PMID: 858969, 8845842, 20478267, 30936914). It has also been observed to segregate with disease in related individuals. This variant is present in population databases (no rsID available, gnomAD 0.007%). This sequence change replaces arginine, which is basic and polar, with cysteine, which is neutral and slightly polar, at codon 270 of the PAX3 protein (p.Arg270Cys).

Blueprint Genetics
Classification: Pathogenic for PAX3-related disorders. Last evaluated: 2018-12-05. Review status: criteria provided, single submitter. Criteria: ACMG Guidelines, 2015. Collection method: clinical testing. Allele origin: germline. Affected: yes. Observed: 1 variant allele.

Center for Human Genetics, Inc
Classification: Pathogenic for Waardenburg syndrome type 1. Last evaluated: 2016-11-01. Review status: criteria provided, single submitter. Criteria: ACMG Guidelines, 2015. Collection method: clinical testing. Allele origin: germline. Affected: yes.

Laboratory of Dr. Barbara Vona, University Medical Center Göttingen
Classification: Pathogenic for Waardenburg syndrome type 1. Last evaluated: 2025-07-01. Review status: no assertion criteria provided. Collection method: clinical testing. Allele origin: germline. Affected: yes. Not counted in ClinVar's aggregate classification.

Literature cited by the submitters: PubMed 9279758 (cited by Labcorp Genetics (formerly Invitae), Labcorp); PubMed 30936914 (cited by Labcorp Genetics (formerly Invitae), Labcorp); PubMed 858969 (cited by Labcorp Genetics (formerly Invitae), Labcorp); PubMed 8845842 (cited by Labcorp Genetics (formerly Invitae), Labcorp); PubMed 20478267 (cited by Labcorp Genetics (formerly Invitae), Labcorp).

NM_181458.4(PAX3):c.808C>T (p.Arg270Cys)

Gene: PAX3 (paired box 3; minus strand). Cytogenetic location: 2q36.1.
Variant type: single nucleotide variant.
Coding change: c.808C>T on transcript NM_181458.4 (MANE Select); coding-DNA position 808, C replaced by T.
Protein change: p.Arg270Cys; replaces arginine 270 with cysteine.
Molecular consequence: missense variant.
Genome position (GRCh38, 1-based): chr2:222,221,372, G>A on the plus strand (C>T on the coding strand, the complement: PAX3 is on the minus strand). VCF-style: chr2-222221372-G-A. GRCh37 (hg19) VCF-style: chr2-223086091-G-A.
Other names: c.805C>T, p.Arg269Cys (NM_001127366.3); c.808C>T, p.Arg270Cys (NM_181457.4, NM_181459.4, NM_181460.4 and 1 more transcripts); short protein forms R270C, R269C.
Identifiers: ClinVar variation 547747 (VCV000547747.15), dbSNP rs1228590199, ClinGen allele CA351116737.